The following is an entry in ClinVar:

NM_177438.3(DICER1):c.145G>A (p.Val49Ile)

Gene: DICER1 (dicer 1, ribonuclease III; minus strand). Cytogenetic location: 14q32.13.
Variant type: single nucleotide variant.
Coding change: c.145G>A on transcript NM_177438.3 (MANE Select); coding-DNA position 145, G replaced by A.
Protein change: p.Val49Ile; replaces valine 49 with isoleucine.
Molecular consequence: missense variant.
Genome position (GRCh38, 1-based): chr14:95,132,677, C>T on the plus strand (G>A on the coding strand, the complement: DICER1 is on the minus strand). VCF-style: chr14-95132677-C-T. GRCh37 (hg19) VCF-style: chr14-95599014-C-T.
Other names: c.145G>A (NM_177438.2); c.145G>A, p.Val49Ile (NM_001195573.1, NM_001271282.3, NM_001291628.2 and 1 more transcripts); short protein forms V49I.
Identifiers: ClinVar variation 1414154 (VCV001414154.9), dbSNP rs1555376413, ClinGen allele CA390890204.

ClinVar aggregate classification (germline): Uncertain significance. Review status: criteria provided, multiple submitters, no conflicts (2 of 4 stars). 3 submissions from 3 submitters: Uncertain significance (3). Last evaluated 2025-04-19.

Conditions:
Hereditary cancer-predisposing syndrome. Also called: Hereditary neoplastic syndrome; Neoplastic Syndromes, Hereditary; Hereditary Cancer Syndrome; Tumor predisposition. Identifiers: Orphanet 140162, MedGen C0027672, MeSH D009386, MONDO:0015356.
DICER1-related tumor predisposition. Also called: DICER1-related pleuropulmonary blastoma cancer predisposition syndrome; DICER1 syndrome. Identifiers: Orphanet 284343, MedGen C3839822, MONDO:0100216.

Submissions (3):

Ambry Genetics
Classification: Uncertain significance for Hereditary cancer-predisposing syndrome. Last evaluated: 2025-04-19. Review status: criteria provided, single submitter. Criteria: Ambry Variant Classification Scheme 2023. Collection method: clinical testing. Allele origin: germline.
Comment: The p.V49I variant (also known as c.145G>A) is located in coding exon 2 of the DICER1 gene. The valine at codon 49 is replaced by isoleucine, an amino acid with highly similar properties. This change occurs in the first base pair of coding exon 2. This amino acid position is conserved. In addition, the in silico prediction for this alteration is inconclusive. Based on the available evidence, the clinical significance of this variant remains unclear.

Hereditary Cancer Group, L’Institut d'Investigació Biomèdica de Bellvitge
Classification: Uncertain significance for Hereditary cancer-predisposing syndrome. Last evaluated: 2024-12-19. Review status: criteria provided, single submitter. Criteria: Hatton et al. (Hum Mutat. 2023). Collection method: clinical testing. Allele origin: germline. Inheritance: Autosomal dominant inheritance. Affected: yes.
Comment: PM2_supporting

Labcorp Genetics (formerly Invitae), Labcorp
Classification: Uncertain significance for DICER1-related tumor predisposition. Last evaluated: 2024-09-09. Review status: criteria provided, single submitter. Criteria: Invitae Variant Classification Sherloc (09022015). Collection method: clinical testing. Allele origin: germline.
Comment: This sequence change replaces valine, which is neutral and non-polar, with isoleucine, which is neutral and non-polar, at codon 49 of the DICER1 protein (p.Val49Ile). This variant is not present in population databases (gnomAD no frequency). This variant has not been reported in the literature in individuals affected with DICER1-related conditions. ClinVar contains an entry for this variant (Variation ID: 1414154). An algorithm developed to predict the effect of missense changes on protein structure and function (PolyPhen-2) suggests that this variant is likely to be disruptive. In summary, the available evidence is currently insufficient to determine the role of this variant in disease. Therefore, it has been classified as a Variant of Uncertain Significance.